The following is an entry in ClinVar:

ClinVar aggregate classification (germline): Likely pathogenic (1 of 4 stars; one submission).

Submission:

ARUP Laboratories, Molecular Genetics and Genomics, ARUP Laboratories
Classification: Likely pathogenic. Last evaluated: 2025-07-14. Review status: criteria provided, single submitter. Criteria: ARUP Molecular Germline Variant Investigation Process 2024. Collection method: clinical testing. Allele origin: germline.
Comment: The RUNX1 c.242_243dup; p.Leu82CysfsTer41 variant, to our knowledge, is not reported in the medical literature or gene specific databases. This variant is also absent from the Genome Aggregation Database (v2.1.1), indicating it is not a common polymorphism. This variant causes a frameshift by inserting two nucleotides, so it is predicted to result in a truncated protein or mRNA subject to nonsense-mediated decay. Based on available information, this variant is considered to be likely pathogenic.

NM_001754.5(RUNX1):c.242_243dup (p.Leu82fs)

Gene: RUNX1 (RUNX family transcription factor 1; minus strand). Cytogenetic location: 21q22.12.
Variant type: Duplication.
Coding change: c.242_243dup on transcript NM_001754.5 (MANE Select); coding-DNA positions 242 to 243, 2 bases duplicated (TG; older notation c.242_243dupTG).
Protein change: p.Leu82fs; shifts the reading frame from leucine 82.
Molecular consequence: frameshift variant.
Genome position (GRCh38, 1-based): chr21:34,886,951-34,886,952, CA duplicated on the plus strand (TG on the coding strand, the reverse complement: RUNX1 is on the minus strand); duplicating any 2 consecutive bases within chr21:34,886,951-34,886,953 gives the same sequence; the c. name uses the placement nearest the transcript's 3' end. VCF-style (leftmost placement, unchanged base first): chr21-34886950-G-GCA. GRCh37 (hg19) VCF-style: chr21-36259247-G-GCA.
Other names: c.161_162dup, p.Leu55fs (NM_001001890.3, NM_001122607.2); short protein forms L55fs, L82fs.
Identifiers: ClinVar variation 4685956 (VCV004685956.1).
Genomic context (GRCh38, chr21:34,886,950, plus strand): 5'-GCACGGAGCAGAGGAAGTTGGGGCTGTCGGTGCGCACCAGCTCGCCCGGGTGGTCGGCCA[G>GCA]CACCTCCACCATGCTGCGGTCGCCGCTCCTCAGCTTGCCGGCCAGGGCAGCGCCGGCGTC-3'